The following is an entry in ClinVar:

ClinVar aggregate classification (germline): Uncertain significance. Review status: criteria provided, multiple submitters, no conflicts (2 of 4 stars). 2 submissions from 2 submitters: Uncertain significance (2). Last evaluated 2024-11-07.

Conditions:
Hereditary breast ovarian cancer syndrome. Also called: Hereditary breast and ovarian cancer syndrome; Hereditary breast and ovarian cancer; Hereditary breast and ovarian cancer syndrome (HBOC); Hereditary breast and/or ovarian cancer syndrome; Breast and ovarian cancer; BRCA1- and BRCA2-Associated Hereditary Breast and Ovarian Cancer. Identifiers: Orphanet 145, MedGen C0677776, MeSH D061325, MONDO:0003582. Disease mechanism: loss of function.
Hereditary cancer-predisposing syndrome. Also called: Neoplastic Syndromes, Hereditary; Tumor predisposition; Hereditary neoplastic syndrome; Hereditary Cancer Syndrome. Identifiers: Orphanet 140162, MedGen C0027672, MeSH D009386, MONDO:0015356.

Submissions (2):

Labcorp Genetics (formerly Invitae), Labcorp
Classification: Uncertain significance for Hereditary breast ovarian cancer syndrome. Last evaluated: 2024-11-07. Review status: criteria provided, single submitter. Criteria: Invitae Variant Classification Sherloc (09022015). Collection method: clinical testing. Allele origin: germline.
Comment: This sequence change replaces phenylalanine, which is neutral and non-polar, with cysteine, which is neutral and slightly polar, at codon 1443 of the BRCA2 protein (p.Phe1443Cys). This variant is not present in population databases (gnomAD no frequency). This variant has not been reported in the literature in individuals affected with BRCA2-related conditions. ClinVar contains an entry for this variant (Variation ID: 2714466). Invitae Evidence Modeling of protein sequence and biophysical properties (such as structural, functional, and spatial information, amino acid conservation, physicochemical variation, residue mobility, and thermodynamic stability) indicates that this missense variant is not expected to disrupt BRCA2 protein function with a negative predictive value of 95%. In summary, the available evidence is currently insufficient to determine the role of this variant in disease. Therefore, it has been classified as a Variant of Uncertain Significance.

Ambry Genetics
Classification: Uncertain significance for Hereditary cancer-predisposing syndrome. Last evaluated: 2023-12-29. Review status: criteria provided, single submitter. Criteria: Ambry Variant Classification Scheme 2023. Collection method: clinical testing. Allele origin: germline.
Comment: The p.F1443C variant (also known as c.4328T>G), located in coding exon 10 of the BRCA2 gene, results from a T to G substitution at nucleotide position 4328. The phenylalanine at codon 1443 is replaced by cysteine, an amino acid with highly dissimilar properties. This amino acid position is conserved. In addition, the in silico prediction for this alteration is inconclusive. Since supporting evidence is limited at this time, the clinical significance of this alteration remains unclear.

NM_000059.4(BRCA2):c.4328T>G (p.Phe1443Cys)

Gene: BRCA2 (BRCA2 DNA repair associated; plus strand). Cytogenetic location: 13q13.1.
Variant type: single nucleotide variant.
Coding change: c.4328T>G on transcript NM_000059.4 (MANE Select); coding-DNA position 4328, T replaced by G.
Protein change: p.Phe1443Cys; replaces phenylalanine 1443 with cysteine.
Molecular consequence: missense variant. On other transcripts: non-coding transcript variant (1), intron variant (2).
Genome position (GRCh38, 1-based): chr13:32,338,683, T>G. VCF-style: chr13-32338683-T-G. GRCh37 (hg19) VCF-style: chr13-32912820-T-G.
Other names: c.4328T>G, p.Phe1443Cys (NM_001406719.1, NM_001406720.1); c.1909+5296T>G (NM_001406721.1); c.425-5875T>G (NM_001406722.1); short protein forms F1443C.
Identifiers: ClinVar variation 2714466 (VCV002714466.4), dbSNP rs2137505216, ClinGen allele CA387780842.